The following is an entry in ClinVar:

ClinVar aggregate classification (germline): Pathogenic (1 of 4 stars; one submission).

Conditions:
ALG6-congenital disorder of glycosylation 1C (CDG1C). Also called: CARBOHYDRATE-DEFICIENT GLYCOPROTEIN SYNDROME, TYPE I, WITH DEFICIENT GLYCOSYLATION OF DOLICHOL-LINKED OLIGOSACCHARIDE; CARBOHYDRATE-DEFICIENT GLYCOPROTEIN SYNDROME, TYPE V; Congenital disorder of glycosylation type 1C; CDG Ic; Congenital disorder of glycosylation, type Ic. Identifiers: Orphanet 79320, MedGen C2930997, MONDO:0011291, OMIM 603147.

Submission:

Labcorp Genetics (formerly Invitae), Labcorp
Classification: Pathogenic for ALG6-congenital disorder of glycosylation 1C. Last evaluated: 2023-04-29. Review status: criteria provided, single submitter. Criteria: Invitae Variant Classification Sherloc (09022015). Collection method: clinical testing. Allele origin: germline.
Comment: This sequence change creates a premature translational stop signal (p.Lys410Aspfs*3) in the ALG6 gene. It is expected to result in an absent or disrupted protein product. Loss-of-function variants in ALG6 are known to be pathogenic (PMID: 19862844). This variant is not present in population databases (gnomAD no frequency). This variant has not been reported in the literature in individuals affected with ALG6-related conditions. For these reasons, this variant has been classified as Pathogenic.

Literature cited by the submitters: PubMed 19862844.

NM_013339.4(ALG6):c.1228_1229del (p.Lys410fs)

Gene: ALG6 (ALG6 alpha-1,3-glucosyltransferase; plus strand). Cytogenetic location: 1p31.3.
Variant type: Deletion.
Coding change: c.1228_1229del on transcript NM_013339.4 (MANE Select); coding-DNA positions 1228 to 1229, 2 bases deleted (AA; older notation c.1228_1229delAA).
Protein change: p.Lys410fs; shifts the reading frame from lysine 410.
Molecular consequence: frameshift variant.
Genome position (GRCh38, 1-based): chr1:63,429,028-63,429,029, AA deleted; deleting any 2 consecutive bases within chr1:63,429,026-63,429,029 gives the same sequence; the c. name uses the placement nearest the transcript's 3' end. VCF-style (leftmost placement, unchanged base first): chr1-63429025-GAA-G. GRCh37 (hg19) VCF-style: chr1-63894696-GAA-G.
Other names: short protein forms K410fs.
Identifiers: ClinVar variation 2860634 (VCV002860634.3), dbSNP rs2523794331, ClinGen allele CA2739272602.